The following is an entry in ClinVar:

NM_032638.5(GATA2):c.654_660del (p.Thr218_Glu219insTer)

Gene: GATA2 (GATA binding protein 2; minus strand). Cytogenetic location: 3q21.3.
Variant type: Deletion.
Coding change: c.654_660del on transcript NM_032638.5 (MANE Select); coding-DNA positions 654 to 660, 7 bases deleted (GGAGAGC; older notation c.654_660delGGAGAGC).
Protein change: p.Thr218_Glu219insTer.
Molecular consequence: frameshift variant. On other transcripts: nonsense (1).
Genome position (GRCh38, 1-based): chr3:128,485,938-128,485,944, GCTCTCC deleted on the plus strand (GGAGAGC on the coding strand, the reverse complement: GATA2 is on the minus strand); deleting any 7 consecutive bases within chr3:128,485,938-128,485,945 gives the same sequence; the c. name uses the placement nearest the transcript's 3' end. VCF-style (leftmost placement, unchanged base first): chr3-128485937-TGCTCTCC-T. GRCh37 (hg19) VCF-style: chr3-128204780-TGCTCTCC-T.
Other names: c.654_660delGGAGAGC (NM_032638.4); c.654_660del, p.Thr218_Glu219insTer (NM_001145661.2, NM_001145662.1).
Identifiers: ClinVar variation 4826579 (VCV004826579.1).
Genomic context (GRCh38, chr3:128,485,937, plus strand): 5'-CAGGCTGGGTGCCCATAGTAGCTAGGCCTGGGCGCAGGGGACTGCCACTTTCCATCTTCA[TGCTCTCC>T]GTCAGTGACACCTGGTACTTGACGCCGTCCTTGTCCTCTCCTCGGGCTGCACTACCCCCC-3'

ClinVar aggregate classification (germline): Pathogenic (1 of 4 stars; one submission).

Conditions:
Inborn genetic diseases. Identifiers: MedGen C0950123, MeSH D030342.

Submission:

Ambry Genetics
Classification: Pathogenic for Inborn genetic diseases. Last evaluated: 2026-03-09. Review status: criteria provided, single submitter. Criteria: Ambry Variant Classification Scheme 2023. Collection method: clinical testing. Allele origin: germline.
Comment: The c.654_660delGGAGAGC pathogenic mutation, located in coding exon 2 of the GATA2 gene, results from a deletion of 7 nucleotides at nucleotide positions 654 to 660, causing a translational frameshift with a predicted alternate stop codon (p.E219*). This variant is considered to be rare based on population cohorts in the Genome Aggregation Database (gnomAD). This alteration is expected to result in loss of function by premature protein truncation or nonsense-mediated mRNA decay. As such, this alteration is interpreted as a disease-causing mutation.